The following is an entry in ClinVar:

NM_001844.5(COL2A1):c.1391A>G (p.Lys464Arg)

Gene: COL2A1 (collagen type II alpha 1 chain; minus strand). Cytogenetic location: 12q13.11.
Variant type: single nucleotide variant.
Coding change: c.1391A>G on transcript NM_001844.5 (MANE Select); coding-DNA position 1391, A replaced by G.
Protein change: p.Lys464Arg; replaces lysine 464 with arginine.
Molecular consequence: missense variant.
Genome position (GRCh38, 1-based): chr12:47,986,863, T>C on the plus strand (A>G on the coding strand, the complement: COL2A1 is on the minus strand). VCF-style: chr12-47986863-T-C. GRCh37 (hg19) VCF-style: chr12-48380646-T-C.
Other names: c.1184A>G, p.Lys395Arg (NM_033150.3); short protein forms K464R, K395R.
Identifiers: ClinVar variation 3693903 (VCV003693903.2).

ClinVar aggregate classification (germline): Uncertain significance (1 of 4 stars; one submission).

Submission:

Labcorp Genetics (formerly Invitae), Labcorp
Classification: Uncertain significance. Last evaluated: 2024-07-12. Review status: criteria provided, single submitter. Criteria: Invitae Variant Classification Sherloc (09022015). Collection method: clinical testing. Allele origin: germline.
Comment: This sequence change replaces lysine, which is basic and polar, with arginine, which is basic and polar, at codon 464 of the COL2A1 protein (p.Lys464Arg). This variant is not present in population databases (gnomAD no frequency). This variant has not been reported in the literature in individuals affected with COL2A1-related conditions. Advanced modeling of protein sequence and biophysical properties (such as structural, functional, and spatial information, amino acid conservation, physicochemical variation, residue mobility, and thermodynamic stability) performed at Invitae indicates that this missense variant is not expected to disrupt COL2A1 protein function with a negative predictive value of 80%. In summary, the available evidence is currently insufficient to determine the role of this variant in disease. Therefore, it has been classified as a Variant of Uncertain Significance.